The following is an entry in ClinVar:

ClinVar aggregate classification (germline): Uncertain significance (1 of 4 stars; one submission).

Conditions:
Generalized pustular psoriasis. Identifiers: Orphanet 247353, MedGen C0343055, MONDO:0100491.

Submission:

Labcorp Genetics (formerly Invitae), Labcorp
Classification: Uncertain significance for Generalized pustular psoriasis. Last evaluated: 2020-01-21. Review status: criteria provided, single submitter. Criteria: Invitae Variant Classification Sherloc (09022015). Collection method: clinical testing. Allele origin: germline.
Comment: This sequence change replaces alanine with valine at codon 92 of the IL36RN protein (p.Ala92Val). The alanine residue is highly conserved and there is a small physicochemical difference between alanine and valine. This variant is not present in population databases (ExAC no frequency). This variant has not been reported in the literature in individuals with IL36RN-related conditions. Algorithms developed to predict the effect of missense changes on protein structure and function are either unavailable or do not agree on the potential impact of this missense change (SIFT: "Deleterious"; PolyPhen-2: "Benign"; Align-GVGD: "Class C0"). In summary, the available evidence is currently insufficient to determine the role of this variant in disease. Therefore, it has been classified as a Variant of Uncertain Significance.

NM_012275.3(IL36RN):c.275C>T (p.Ala92Val)

Gene: IL36RN (interleukin 36 receptor antagonist; plus strand). Cytogenetic location: 2q14.1.
Variant type: single nucleotide variant.
Coding change: c.275C>T on transcript NM_012275.3 (MANE Select); coding-DNA position 275, C replaced by T.
Protein change: p.Ala92Val; replaces alanine 92 with valine.
Molecular consequence: missense variant.
Genome position (GRCh38, 1-based): chr2:113,062,484, C>T. VCF-style: chr2-113062484-C-T. GRCh37 (hg19) VCF-style: chr2-113820061-C-T.
Other names: c.275C>T, p.Ala92Val (NM_173170.1); short protein forms A92V.
Identifiers: ClinVar variation 837544 (VCV000837544.8), dbSNP rs1685662918, ClinGen allele CA348290264.
Genomic context (GRCh38, chr2:113,062,484, plus strand): 5'-TCACCTGACCTCCCCTCCTCTGCCGGCAGCCAGTGAACATCATGGAGCTCTATCTTGGTG[C>T]CAAGGAATCCAAGAGCTTCACCTTCTACCGGCGGGACATGGGGCTCACCTCCAGCTTCGA-3'
Protein context (NP_036407.1, residues 82-102): PVNIMELYLG[Ala92Val]KESKSFTFYR